The following is an entry in ClinVar:

ClinVar aggregate classification (germline): Likely pathogenic (1 of 4 stars; one submission).

Conditions:
Dilated cardiomyopathy 1G (CMD1G). Identifiers: Orphanet 154, MedGen C1858763, MONDO:0011400, OMIM 604145.
Autosomal recessive limb-girdle muscular dystrophy type 2J (LGMDR10). Also called: MUSCULAR DYSTROPHY, LIMB-GIRDLE, AUTOSOMAL RECESSIVE 10; Limb-girdle muscular dystrophy, type 2J. Identifiers: Orphanet 140922, MedGen C1837342, MONDO:0012127, OMIM 608807.

Submission:

Labcorp Genetics (formerly Invitae), Labcorp
Classification: Likely pathogenic for Dilated cardiomyopathy 1G; Autosomal recessive limb-girdle muscular dystrophy type 2J. Last evaluated: 2022-11-08. Review status: criteria provided, single submitter. Criteria: Invitae Variant Classification Sherloc (09022015). Collection method: clinical testing. Allele origin: germline.
Comment: In summary, the currently available evidence indicates that the variant is pathogenic, but additional data are needed to prove that conclusively. Therefore, this variant has been classified as Likely Pathogenic. This variant disrupts the I and A band(s) of TTN (PMID: 25589632). Variants disrupting the A band are significantly overrepresented in patients affected with dilated cardiomyopathy (PMID: 25589632). Copy number variants in TTN have also been previously reported in individuals affected with neuromuscular disorders (PMID: 29792937, 30238059). This variant has not been reported in the literature in individuals affected with TTN-related conditions. This variant results in the deletion of exons 104-325 and part of exons 103 and 326 (c.29584_84523delinsA) of the TTN gene. This variant would be expected to be in-frame, preserving the integrity of the reading frame.

Literature cited by the submitters: PubMed 25589632; PubMed 29792937; PubMed 30238059.

NC_000002.11:g.(?_179426336)_(179569921_?)del

Gene: TTN (titin; minus strand). Cytogenetic location: 2q31.2.
Variant type: Deletion.
Identifiers: ClinVar variation 2424042 (VCV002424042.6).